The following is an entry in ClinVar:

NM_152618.3(BBS12):c.1779T>A (p.Asn593Lys)

Gene: BBS12 (Bardet-Biedl syndrome 12; plus strand). Cytogenetic location: 4q27.
Variant type: single nucleotide variant.
Coding change: c.1779T>A on transcript NM_152618.3 (MANE Select); coding-DNA position 1779, T replaced by A.
Protein change: p.Asn593Lys; replaces asparagine 593 with lysine.
Molecular consequence: missense variant.
Genome position (GRCh38, 1-based): chr4:122,743,671, T>A. VCF-style: chr4-122743671-T-A. GRCh37 (hg19) VCF-style: chr4-123664826-T-A.
Other names: c.1779T>A, p.Asn593Lys (NM_001178007.2); short protein forms N593K.
Identifiers: ClinVar variation 3349250 (VCV003349250.1).
Genomic context (GRCh38, chr4:122,743,671, plus strand): 5'-CTCTTGGCTGGCTTCATCTCTGGCAATATACAGACCAACTGTGCTTAAATTCCTGGCAAA[T>A]GGATGGCAGAAATACCTTTCAACTCTCCTATATAACACTGCCAATTACTCATCAGAATTT-3'
Protein context (NP_689831.2, residues 583-603): YRPTVLKFLA[Asn593Lys]GWQKYLSTLL

ClinVar aggregate classification (germline): Uncertain significance (0 of 4 stars; one submission).

Conditions:
BBS12-related disorder. Also called: BBS12-related condition.

Submission:

PreventionGenetics, part of Exact Sciences
Classification: Uncertain significance for BBS12-related condition. Last evaluated: 2024-02-19. Review status: no assertion criteria provided. Collection method: clinical testing. Allele origin: germline.
Comment: The BBS12 c.1779T>A variant is predicted to result in the amino acid substitution p.Asn593Lys. To our knowledge, this variant has not been reported in the literature or in a large population database, indicating this variant is rare. At this time, the clinical significance of this variant is uncertain due to the absence of conclusive functional and genetic evidence.